The following is an entry in ClinVar:

ClinVar aggregate classification (germline): Likely benign. Review status: criteria provided, multiple submitters, no conflicts (2 of 4 stars). 6 submissions from 6 submitters: Likely benign (6). Last evaluated 2025-11-24.

Conditions:
SLC52A2-related disorder. Also called: SLC52A2-related condition.
Inborn genetic diseases. Identifiers: MedGen C0950123, MeSH D030342.
Brown-Vialetto-van Laere syndrome 2. Also called: Riboflavin transporter deficiency type 2; SPINOCEREBELLAR ATAXIA WITH BLINDNESS AND DEAFNESS 2. Identifiers: Orphanet 572543, Orphanet 97229, MedGen C3553538, MONDO:0013867, OMIM 614707.

Allele frequency attached by ClinVar (database versions not stated): TOPMed 0.00007; ESP Exome Variant Server 0.00008; gnomAD 0.00013.
gnomAD v4.1: 234 of 1,608,132 alleles (0.015%); highest among the groups gnomAD compares: Non-Finnish European, 0.017%; 1 homozygote.

Submissions (6):

Labcorp Genetics (formerly Invitae), Labcorp
Classification: Likely benign for Brown-Vialetto-van Laere syndrome 2. Last evaluated: 2025-11-24. Review status: criteria provided, single submitter. Criteria: Invitae Variant Classification Sherloc (09022015). Collection method: clinical testing. Allele origin: germline.

PreventionGenetics, part of Exact Sciences
Classification: Likely benign for SLC52A2-related condition. Last evaluated: 2025-09-17. Review status: criteria provided, single submitter. Criteria: ACMG Guidelines, 2015. Collection method: clinical testing. Allele origin: germline.
Comment: This variant is classified as likely benign based on ACMG/AMP sequence variant interpretation guidelines (Richards et al. 2015 PMID: 25741868, with internal and published modifications).

Blueprint Genetics
Classification: Likely benign. Last evaluated: 2024-08-06. Review status: criteria provided, single submitter. Criteria: ACMG Guidelines, 2015. Collection method: clinical testing. Allele origin: germline.

CeGaT Center for Human Genetics Tuebingen
Classification: Likely benign. Last evaluated: 2023-03-01. Review status: criteria provided, single submitter. Criteria: CeGaT Center For Human Genetics Tuebingen Variant Classification Criteria Version 2. Collection method: clinical testing. Allele origin: germline. Affected: yes. Observed: 1 variant allele.
Comment: SLC52A2: BP4, BP7

GeneDx
Classification: Likely benign. Last evaluated: 2020-12-29. Review status: criteria provided, single submitter. Criteria: GeneDx Variant Classification Process June 2021. Collection method: clinical testing. Allele origin: germline. Affected: yes.

Ambry Genetics
Classification: Likely benign for Inborn genetic diseases. Last evaluated: 2019-07-11. Review status: criteria provided, single submitter. Criteria: Ambry Variant Classification Scheme 2023. Collection method: clinical testing. Allele origin: germline.

NM_001363118.2(SLC52A2):c.888C>T (p.Ala296=)

Gene: SLC52A2 (solute carrier family 52 member 2; plus strand). Cytogenetic location: 8q24.3.
Variant type: single nucleotide variant.
Coding change: c.888C>T on transcript NM_001363118.2 (MANE Select); coding-DNA position 888, C replaced by T.
Protein change: p.Ala296=; no amino-acid change (alanine 296 retained).
Molecular consequence: synonymous variant. On other transcripts: non-coding transcript variant (1).
Genome position (GRCh38, 1-based): chr8:144,360,380, C>T. VCF-style: chr8-144360380-C-T. GRCh37 (hg19) VCF-style: chr8-145584040-C-T.
Other names: c.888C>T, p.Ala296= (NM_001253815.2, NM_001253816.2, NM_001363120.2 and 2 more transcripts); c.396C>T, p.Ala132= (NM_001363122.2); c.888C>T (NM_001253816.1).
Identifiers: ClinVar variation 506917 (VCV000506917.41), dbSNP rs375399467, ClinGen allele CA4938300.